The following is an entry in ClinVar:

NM_016203.4(PRKAG2):c.1618A>G (p.Ser540Gly)

Gene: PRKAG2 (protein kinase AMP-activated non-catalytic subunit gamma 2; minus strand). Cytogenetic location: 7q36.1.
Variant type: single nucleotide variant.
Coding change: c.1618A>G on transcript NM_016203.4 (MANE Select); coding-DNA position 1618, A replaced by G.
Protein change: p.Ser540Gly; replaces serine 540 with glycine.
Molecular consequence: missense variant.
Genome position (GRCh38, 1-based): chr7:151,560,584, T>C on the plus strand (A>G on the coding strand, the complement: PRKAG2 is on the minus strand). VCF-style: chr7-151560584-T-C. GRCh37 (hg19) VCF-style: chr7-151257670-T-C.
Other names: c.1618A>G (NM_016203.3); c.1486A>G, p.Ser496Gly (NM_001040633.2); c.1243A>G, p.Ser415Gly (NM_001304527.2); c.895A>G, p.Ser299Gly (NM_001304531.2, NM_024429.2); c.1246A>G, p.Ser416Gly (NM_001363698.2); short protein forms S540G, S299G, S415G, S496G, S416G.
Identifiers: ClinVar variation 928067 (VCV000928067.7), dbSNP rs1804709282, ClinGen allele CA370070349.

ClinVar aggregate classification (germline): Uncertain significance. Review status: criteria provided, multiple submitters, no conflicts (2 of 4 stars). 3 submissions from 3 submitters: Uncertain significance (3). Last evaluated 2025-04-09.

Conditions:
Cardiovascular phenotype. Identifiers: MedGen CN230736.
Cardiomyopathy (CMYO). Also called: Cardiomyopathies. Identifiers: Orphanet 167848, MedGen C0878544, MONDO:0004994, HP:0001638. Inheritance: Various modes of inheritance.
Hypertrophic cardiomyopathy. Also called: HYPERTROPHIC MYOCARDIOPATHY. Identifiers: Orphanet 217569, MedGen C0007194, MeSH D002312, MONDO:0005045, HP:0001639.

Allele frequency attached by ClinVar (database versions not stated): gnomAD exomes below 0.00001.
gnomAD v4.1: 2 of 1,613,848 alleles (0.00012%); highest among the groups gnomAD compares: Non-Finnish European, 0.00017%; no homozygotes.

Submissions (3):

Molecular Diagnostic Laboratory for Inherited Cardiovascular Disease, Montreal Heart Institute
Classification: Uncertain significance for Cardiovascular phenotype. Last evaluated: 2025-04-09. Review status: criteria provided, single submitter. Criteria: ACMG Guidelines, 2015. Collection method: clinical testing. Allele origin: germline. Affected: yes.

All of Us Research Program, National Institutes of Health
Classification: Uncertain significance for Hypertrophic cardiomyopathy. Last evaluated: 2024-05-30. Review status: criteria provided, single submitter. Criteria: ACMG Guidelines, 2015. Collection method: clinical testing. Allele origin: germline. Inheritance: Autosomal dominant inheritance. Observed: 2 variant alleles, 2 heterozygotes.
Comment: This missense variant replaces serine with glycine at codon 540 of the PRKAG2 protein. Computational prediction tools and conservation analyses are inconclusive regarding the impact of this variant on the protein function. Computational splicing tools suggest that this variant may not impact RNA splicing. To our knowledge, functional assays have not been performed for this variant nor has this variant been reported in individuals affected with cardiovascular disorders in the literature. This variant has not been identified in the general population by the Genome Aggregation Database (gnomAD). Available evidence is insufficient to determine the role of this variant in disease conclusively. Therefore, this variant is classified as a Variant of Uncertain Significance.

This study involves interpretation of variants in research participants for the purpose of population health screening. Participant phenotype was not available at the time of variant classification. Additional details can be found in publication PMID: 35346344, PMCID: PMC8962531

Color Diagnostics, LLC DBA Color Health
Classification: Uncertain significance for Cardiomyopathy. Last evaluated: 2024-03-06. Review status: criteria provided, single submitter. Criteria: ACMG Guidelines, 2015. Collection method: clinical testing. Allele origin: germline.
Comment: This missense variant replaces serine with glycine at codon 540 of the PRKAG2 protein. Computational prediction suggests that this variant may not impact protein structure and function (internally defined REVEL score threshold <= 0.5, PMID: 27666373). To our knowledge, functional studies have not been reported for this variant. This variant has not been reported in individuals affected with PRKAG2-related disorders in the literature. This variant has not been identified in the general population by the Genome Aggregation Database (gnomAD). The available evidence is insufficient to determine the role of this variant in disease conclusively. Therefore, this variant is classified as a Variant of Uncertain Significance.